The following is an entry in ClinVar:

NM_016239.4(MYO15A):c.6764+2T>C

Gene: MYO15A (myosin XVA; plus strand). Cytogenetic location: 17p11.2.
Variant type: single nucleotide variant.
Coding change: c.6764+2T>C on transcript NM_016239.4 (MANE Select); the canonical splice donor site of the intron after coding-DNA position 6764, T replaced by C.
Molecular consequence: splice donor variant.
Genome position (GRCh38, 1-based): chr17:18,148,570, T>C. VCF-style: chr17-18148570-T-C. GRCh37 (hg19) VCF-style: chr17-18051884-T-C.
Identifiers: ClinVar variation 3601379 (VCV003601379.1).
Genomic context (GRCh38, chr17:18,148,570, plus strand): 5'-TGCCCGGTGCACTCCTGGAGTACGGGGGAAGAGGTGGCTGGAGACATTCTGAGGCACAGG[T>C]TGGCTCCTAGGATGCCCTCCCAGCACACTCTTATGTACCTGGAATGTTGTGGGGGGAGGT-3'

ClinVar aggregate classification (germline): Pathogenic (1 of 4 stars; one submission).

Conditions:
Autosomal recessive nonsyndromic hearing loss 3. Also called: NEUROSENSORY NONSYNDROMIC RECESSIVE DEAFNESS 3. Identifiers: Orphanet 90636, MedGen C1838263, MONDO:0010860, OMIM 600316.

gnomAD v4.1: 1 of 1,551,554 alleles (0.000064%); no homozygotes.

Submission:

Institute of Rare Diseases, West China Hospital, Sichuan University
Classification: Pathogenic for Autosomal recessive nonsyndromic hearing loss 3. Last evaluated: 2025-01-09. Review status: criteria provided, single submitter. Criteria: ClinGen HL ACMG Specifications v1. Collection method: research. Allele origin: germline. Affected: yes.
Comment: PVS1;PM3;PM2_Supporting